The following is an entry in ClinVar:

NM_030780.5(SLC25A32):c.488A>G (p.Tyr163Cys)

Gene: SLC25A32 (solute carrier family 25 member 32; minus strand). Cytogenetic location: 8q22.3.
Variant type: single nucleotide variant.
Coding change: c.488A>G on transcript NM_030780.5 (MANE Select); coding-DNA position 488, A replaced by G.
Protein change: p.Tyr163Cys; replaces tyrosine 163 with cysteine.
Molecular consequence: missense variant. On other transcripts: non-coding transcript variant (2).
Genome position (GRCh38, 1-based): chr8:103,403,228, T>C on the plus strand (A>G on the coding strand, the complement: SLC25A32 is on the minus strand). VCF-style: chr8-103403228-T-C. GRCh37 (hg19) VCF-style: chr8-104415456-T-C.
Other names: short protein forms Y163C.
Identifiers: ClinVar variation 2046578 (VCV002046578.5), dbSNP rs148086977, ClinGen allele CA4835461.
Genomic context (GRCh38, chr8:103,403,228, plus strand): 5'-TATAATCCACGCACACCTTCATACTTATATATTTTCACAAGTGTATCAAACATTCCTTTA[T>C]ATTGTCGGTGTGGGGAGTTAACAACAGCATCATACTGTAACATAAGGCGAGTTTTTGTTA-3'
Protein context (NP_110407.2, residues 153-173): DAVVNSPHRQ[Tyr163Cys]KGMFDTLVKI

ClinVar aggregate classification (germline): Uncertain significance. Review status: criteria provided, multiple submitters, no conflicts (2 of 4 stars). 2 submissions from 2 submitters: Uncertain significance (2). Last evaluated 2025-08-01.

Allele frequency attached by ClinVar (database versions not stated): TOPMed 0.00003; gnomAD 0.00005; gnomAD exomes 0.00005; ExAC 0.00007; ESP Exome Variant Server 0.00015; 1000 Genomes Project 30x 0.00016; 1000 Genomes Project 0.00020.

Submissions (2):

Labcorp Genetics (formerly Invitae), Labcorp
Classification: Uncertain significance. Last evaluated: 2025-08-01. Review status: criteria provided, single submitter. Criteria: Invitae Variant Classification Sherloc (09022015). Collection method: clinical testing. Allele origin: germline.
Comment: This sequence change replaces tyrosine, which is neutral and polar, with cysteine, which is neutral and slightly polar, at codon 163 of the SLC25A32 protein (p.Tyr163Cys). This variant is present in population databases (rs148086977, gnomAD 0.009%). This variant has not been reported in the literature in individuals affected with SLC25A32-related conditions. ClinVar contains an entry for this variant (Variation ID: 2046578). Invitae Evidence Modeling of protein sequence and biophysical properties (such as structural, functional, and spatial information, amino acid conservation, physicochemical variation, residue mobility, and thermodynamic stability) indicates that this missense variant is expected to disrupt SLC25A32 protein function with a positive predictive value of 80%. In summary, the available evidence is currently insufficient to determine the role of this variant in disease. Therefore, it has been classified as a Variant of Uncertain Significance.

Ambry Genetics
Classification: Uncertain significance. Last evaluated: 2021-09-17. Review status: criteria provided, single submitter. Criteria: Ambry Variant Classification Scheme 2023. Collection method: clinical testing. Allele origin: germline.